The following is an entry in ClinVar:

ClinVar aggregate classification (germline): Pathogenic/Likely pathogenic. Review status: criteria provided, multiple submitters, no conflicts (2 of 4 stars). 9 submissions from 9 submitters: Pathogenic (7); Likely pathogenic (1). 1 of the submissions does not count toward it. Last evaluated 2026-04-15.

Conditions:
SMAD3-related disorder. Also called: SMAD3-related condition.
Ehlers-Danlos syndrome (EDS). Identifiers: Orphanet 98249, MedGen C0013720, MONDO:0020066.
Aneurysm-osteoarthritis syndrome. Also called: SMAD3-Related Loeys-Dietz Syndrome; LOEYS-DIETZ SYNDROME WITH OSTEOARTHRITIS; ANEURYSMS-OSTEOARTHRITIS SYNDROME; Loeys-Dietz syndrome, type 1C. Identifiers: Orphanet 284984, MedGen C3151087, MONDO:0013426, OMIM 613795.
Familial thoracic aortic aneurysm and aortic dissection (TAAD). Also called: Thoracic aortic aneurysms and dissections. Identifiers: Orphanet 91387, MedGen C4707243, MONDO:0019625.

Allele frequency attached by ClinVar (database versions not stated): gnomAD exomes below 0.00001; TOPMed below 0.00001.
gnomAD v4.1: 1 of 1,613,160 alleles (0.000062%); highest among the groups gnomAD compares: Non-Finnish European, 0.000085%; no homozygotes.

Submissions (9):

Clinical Genetics Laboratory, Skane University Hospital Lund
Classification: Pathogenic for Aneurysm-osteoarthritis syndrome. Last evaluated: 2026-04-15. Review status: criteria provided, single submitter. Criteria: ACMG Guidelines, 2015. Collection method: clinical testing. Allele origin: germline. Affected: yes.
Comment: the variant has been classified as pathogenic with the following ACMG criteria:PS4, PM1, PM2, PM5, PP1 strong samt PP4.

Labcorp Genetics (formerly Invitae), Labcorp
Classification: Pathogenic for Familial thoracic aortic aneurysm and aortic dissection. Last evaluated: 2026-01-09. Review status: criteria provided, single submitter. Criteria: Invitae Variant Classification Sherloc (09022015). Collection method: clinical testing. Allele origin: germline.
Comment: This sequence change replaces arginine, which is basic and polar, with tryptophan, which is neutral and slightly polar, at codon 287 of the SMAD3 protein (p.Arg287Trp). This variant is not present in population databases (gnomAD no frequency). This missense change has been observed in individuals with aortic aneurysm and osteoarthritis and aneurysms and osteoarthritis syndrome, thoracic aortic aneurysm and dissection, or clinical features of Loeys-Dietz syndrome (PMID: 21217753, 25644172, 29717556; internal data). It has also been observed to segregate with disease in related individuals. ClinVar contains an entry for this variant (Variation ID: 30306). Invitae Evidence Modeling incorporating data from in vitro experimental studies (internal data) indicates that this missense variant is expected to disrupt SMAD3 function with a positive predictive value of 95%. For these reasons, this variant has been classified as Pathogenic.

GeneDx
Classification: Pathogenic. Last evaluated: 2025-09-10. Review status: criteria provided, single submitter. Criteria: GeneDx Variant Classification Process June 2021. Collection method: clinical testing. Allele origin: germline. Affected: yes.
Comment: Not observed at significant frequency in large population cohorts (gnomAD); In silico analysis supports that this missense variant has a deleterious effect on protein structure/function; This variant is associated with the following publications: (PMID: 24583347, 29717556, 35031499, 30661052, 23554019, 17994767, 26355014, 22803640, 24135912, 26221609, 21217753, 28185953, 36926042, 22167769, 25644172)

Ambry Genetics
Classification: Pathogenic for Familial thoracic aortic aneurysm and aortic dissection. Last evaluated: 2024-07-31. Review status: criteria provided, single submitter. Criteria: Ambry Variant Classification Scheme 2023. Collection method: clinical testing. Allele origin: germline.
Comment: The p.R287W pathogenic mutation (also known as c.859C>T), located in coding exon 6 of the SMAD3 gene, results from a C to T substitution at nucleotide position 859. The arginine at codon 287 is replaced by tryptophan, an amino acid with dissimilar properties. This alteration has been reported in several families with thoracic aortic aneurysms and dissections (TAAD) and osteo-arthritis and has been shown to segregate with disease (van de Laar IM et al. Nat. Genet., 2011 Feb;43:121-6; van de Laar IM et al. J. Med. Genet., 2012 Jan;49:47-57; Campens L et al. Orphanet J Rare Dis, 2015 Feb;10:9; Backer J et al. Mol Genet Genomic Med, 2018 May; Ambry internal data). Based on internal structural assessment, this alteration may result in disruption of the interfacial surface of SMAD3 with SMAD2/3/4 (Chacko BM. et al. Mol. Cell. 2004 Sept;15(5):813-23, Ambry internal data). This amino acid position is highly conserved in available vertebrate species. In addition, this alteration is predicted to be deleterious by in silico analysis. This variant is considered to be rare based on population cohorts in the Genome Aggregation Database (gnomAD). Based on the supporting evidence, this variant is interpreted as a disease-causing mutation.

Institute of Human Genetics, University of Leipzig Medical Center
Classification: Likely pathogenic for Aneurysm-osteoarthritis syndrome. Last evaluated: 2024-05-30. Review status: criteria provided, single submitter. Criteria: ACMG Guidelines, 2015. Collection method: clinical testing. Allele origin: unknown. Inheritance: Autosomal dominant inheritance. Affected: yes.
Comment: Criteria applied: PS4,PM5,PM2_SUP,PP2,PP3

Blueprint Genetics
Classification: Pathogenic for SMAD3-related disorders. Last evaluated: 2024-01-22. Review status: criteria provided, single submitter. Criteria: ACMG Guidelines, 2015. Collection method: clinical testing. Allele origin: germline. Affected: yes. Observed: 5 variant alleles.

Genome Diagnostics Laboratory, The Hospital for Sick Children
Classification: Pathogenic for Ehlers-Danlos syndrome. Last evaluated: 2021-11-29. Review status: criteria provided, single submitter. Criteria: ACMG Guidelines, 2015. Collection method: clinical testing. Allele origin: germline.

CHEO Genetics Diagnostic Laboratory, Children's Hospital of Eastern Ontario
Classification: Pathogenic for Familial thoracic aortic aneurysm and aortic dissection. Last evaluated: 2021-05-10. Review status: criteria provided, single submitter. Criteria: ACMG Guidelines, 2015. Collection method: clinical testing. Allele origin: germline.

OMIM
Classification: Pathogenic for LOEYS-DIETZ SYNDROME 3. Last evaluated: 2011-02-01. Review status: no assertion criteria provided. Collection method: literature only. Allele origin: germline. Not counted in ClinVar's aggregate classification.

Literature cited by the submitters: PubMed 21217753 (cited by 3 submitters); PubMed 25644172 (cited by Labcorp Genetics (formerly Invitae), Labcorp and Ambry Genetics); PubMed 29717556 (cited by Labcorp Genetics (formerly Invitae), Labcorp and Ambry Genetics); PubMed 15350224 (cited by Ambry Genetics); PubMed 22167769 (cited by Ambry Genetics); PubMed 23554019 (cited by Ambry Genetics); PubMed 28185953 (cited by Ambry Genetics).

NM_005902.4(SMAD3):c.859C>T (p.Arg287Trp)

Gene: SMAD3 (SMAD family member 3; plus strand). Cytogenetic location: 15q22.33.
Variant type: single nucleotide variant.
Coding change: c.859C>T on transcript NM_005902.4 (MANE Select); coding-DNA position 859, C replaced by T.
Protein change: p.Arg287Trp; replaces arginine 287 with tryptophan.
Molecular consequence: missense variant.
Genome position (GRCh38, 1-based): chr15:67,181,441, C>T. VCF-style: chr15-67181441-C-T. GRCh37 (hg19) VCF-style: chr15-67473779-C-T.
Other names: p.R287W:CGG>TGG; c.544C>T, p.Arg182Trp (NM_001145102.2); c.727C>T, p.Arg243Trp (NM_001145103.2); c.274C>T, p.Arg92Trp (NM_001145104.2); short protein forms R287W, R182W, R92W, R243W.
Identifiers: ClinVar variation 30306 (VCV000030306.31), dbSNP rs387906850, ClinGen allele CA020130.